The following is an entry in ClinVar:

NM_153252.5(BRWD3):c.2308T>A (p.Ser770Thr)

Gene: BRWD3 (bromodomain and WD repeat domain containing 3; minus strand). Cytogenetic location: Xq21.1.
Variant type: single nucleotide variant.
Coding change: c.2308T>A on transcript NM_153252.5 (MANE Select); coding-DNA position 2308, T replaced by A.
Protein change: p.Ser770Thr; replaces serine 770 with threonine.
Molecular consequence: missense variant.
Genome position (GRCh38, 1-based): chrX:80,716,174, A>T on the plus strand (T>A on the coding strand, the complement: BRWD3 is on the minus strand). VCF-style: chrX-80716174-A-T. GRCh37 (hg19) VCF-style: chrX-79971673-A-T.
Other names: c.2308T>A, p.Ser770Thr (NM_001441339.1); short protein forms S770T.
Identifiers: ClinVar variation 4534864 (VCV004534864.6).

ClinVar aggregate classification (germline): Uncertain significance (1 of 4 stars; one submission).

Submission:

CeGaT Center for Human Genetics Tuebingen
Classification: Uncertain significance. Last evaluated: 2025-09-01. Review status: criteria provided, single submitter. Criteria: CeGaT Center For Human Genetics Tuebingen Variant Classification Criteria Version 2. Collection method: clinical testing. Allele origin: germline. Affected: yes. Observed: 2 variant alleles.
Comment: BRWD3: PM2, BP4